The following is an entry in ClinVar:

NM_004655.4(AXIN2):c.1074G>C (p.Leu358=)

Gene: AXIN2 (axin 2; minus strand). Cytogenetic location: 17q24.1.
Variant type: single nucleotide variant.
Coding change: c.1074G>C on transcript NM_004655.4 (MANE Select); coding-DNA position 1074, G replaced by C.
Protein change: p.Leu358=; no amino-acid change (leucine 358 retained).
Molecular consequence: synonymous variant.
Genome position (GRCh38, 1-based): chr17:65,538,329, C>G on the plus strand (G>C on the coding strand, the complement: AXIN2 is on the minus strand). VCF-style: chr17-65538329-C-G. GRCh37 (hg19) VCF-style: chr17-63534447-C-G.
Other names: c.1074G>C, p.Leu358= (NM_001363813.1).
Identifiers: ClinVar variation 751675 (VCV000751675.12), dbSNP rs1336532585, ClinGen allele CA501476397.

ClinVar aggregate classification (germline): Benign/Likely benign. Review status: criteria provided, multiple submitters, no conflicts (2 of 4 stars). 3 submissions from 3 submitters: Benign (1); Likely benign (2). Last evaluated 2024-08-10.

Conditions:
Hereditary cancer-predisposing syndrome. Also called: Tumor predisposition; Hereditary neoplastic syndrome; Neoplastic Syndromes, Hereditary; Hereditary Cancer Syndrome. Identifiers: Orphanet 140162, MedGen C0027672, MeSH D009386, MONDO:0015356.
Oligodontia-cancer predisposition syndrome. Also called: TOOTH AGENESIS-COLORECTAL CANCER SYNDROME. Identifiers: Orphanet 300576, MedGen C1837750, MONDO:0012075, OMIM 608615. Disease mechanism: loss of function.

Allele frequency attached by ClinVar (database versions not stated): gnomAD exomes below 0.00001; TOPMed 0.00001.
gnomAD v4.1: 1 of 1,614,158 alleles (0.000062%); highest among the groups gnomAD compares: South Asian, 0.0011%; no homozygotes.

Submissions (3):

Labcorp Genetics (formerly Invitae), Labcorp
Classification: Likely benign for Oligodontia-cancer predisposition syndrome. Last evaluated: 2024-08-10. Review status: criteria provided, single submitter. Criteria: Invitae Variant Classification Sherloc (09022015). Collection method: clinical testing. Allele origin: germline.

Myriad Genetics, Inc.
Classification: Benign for Oligodontia-cancer predisposition syndrome. Last evaluated: 2024-07-01. Review status: criteria provided, single submitter. Criteria: Myriad Autosomal Dominant, Autosomal Recessive and X-Linked Classification Criteria (2023). Collection method: clinical testing. Allele origin: unknown.
Comment: This variant is considered benign. This variant is a silent/synonymous amino acid change and it is not expected to impact splicing.

Ambry Genetics
Classification: Likely benign for Hereditary cancer-predisposing syndrome. Last evaluated: 2021-02-24. Review status: criteria provided, single submitter. Criteria: Ambry Variant Classification Scheme 2023. Collection method: clinical testing. Allele origin: germline.